The following is an entry in ClinVar:

ClinVar aggregate classification (germline): Uncertain significance (1 of 4 stars; one submission).

Allele frequency attached by ClinVar (database versions not stated): ExAC 0.00001; gnomAD exomes 0.00001; gnomAD 0.00003; TOPMed 0.00003; ESP Exome Variant Server 0.00008.
gnomAD v4.1: 8 of 1,614,070 alleles (0.0005%); highest among the groups gnomAD compares: African/African-American, 0.0093%; no homozygotes.

Submission:

Labcorp Genetics (formerly Invitae), Labcorp
Classification: Uncertain significance. Last evaluated: 2025-12-05. Review status: criteria provided, single submitter. Criteria: Invitae Variant Classification Sherloc (09022015). Collection method: clinical testing. Allele origin: germline.
Comment: This sequence change replaces aspartic acid, which is acidic and polar, with glycine, which is neutral and non-polar, at codon 862 of the MYH3 protein (p.Asp862Gly). This variant is present in population databases (rs141075437, gnomAD 0.03%). This variant has not been reported in the literature in individuals affected with MYH3-related conditions. ClinVar contains an entry for this variant (Variation ID: 2167439). Invitae Evidence Modeling of protein sequence and biophysical properties (such as structural, functional, and spatial information, amino acid conservation, physicochemical variation, residue mobility, and thermodynamic stability) indicates that this missense variant is not expected to disrupt MYH3 protein function with a negative predictive value of 95%. In summary, the available evidence is currently insufficient to determine the role of this variant in disease. Therefore, it has been classified as a Variant of Uncertain Significance.

NM_002470.4(MYH3):c.2585A>G (p.Asp862Gly)

Gene: MYH3 (myosin heavy chain 3; minus strand). Cytogenetic location: 17p13.1.
Variant type: single nucleotide variant.
Coding change: c.2585A>G on transcript NM_002470.4 (MANE Select); coding-DNA position 2585, A replaced by G.
Protein change: p.Asp862Gly; replaces aspartic acid 862 with glycine.
Molecular consequence: missense variant.
Genome position (GRCh38, 1-based): chr17:10,640,093, T>C on the plus strand (A>G on the coding strand, the complement: MYH3 is on the minus strand). VCF-style: chr17-10640093-T-C. GRCh37 (hg19) VCF-style: chr17-10543410-T-C.
Other names: short protein forms D862G.
Identifiers: ClinVar variation 2167439 (VCV002167439.4), dbSNP rs141075437, ClinGen allele CA8392738.